The following is an entry in ClinVar:

NM_139242.4(MTFMT):c.1035C>G (p.Phe345Leu)

Gene: MTFMT (mitochondrial methionyl-tRNA formyltransferase; minus strand). Cytogenetic location: 15q22.31.
Variant type: single nucleotide variant.
Coding change: c.1035C>G on transcript NM_139242.4 (MANE Select); coding-DNA position 1035, C replaced by G.
Protein change: p.Phe345Leu; replaces phenylalanine 345 with leucine.
Molecular consequence: missense variant.
Genome position (GRCh38, 1-based): chr15:65,003,197, G>C on the plus strand (C>G on the coding strand, the complement: MTFMT is on the minus strand). VCF-style: chr15-65003197-G-C. GRCh37 (hg19) VCF-style: chr15-65295535-G-C.
Other names: short protein forms F345L.
Identifiers: ClinVar variation 1467594 (VCV001467594.8), dbSNP rs1411892180, ClinGen allele CA392844845.

ClinVar aggregate classification (germline): Uncertain significance (1 of 4 stars; one submission).

Allele frequency attached by ClinVar (database versions not stated): gnomAD exomes below 0.00001; TOPMed below 0.00001; gnomAD 0.00001.
gnomAD v4.1: 3 of 1,613,654 alleles (0.00019%); highest among the groups gnomAD compares: Non-Finnish European, 0.00025%; no homozygotes.

Submission:

Labcorp Genetics (formerly Invitae), Labcorp
Classification: Uncertain significance. Last evaluated: 2022-06-20. Review status: criteria provided, single submitter. Criteria: Invitae Variant Classification Sherloc (09022015). Collection method: clinical testing. Allele origin: germline.
Comment: This sequence change replaces phenylalanine, which is neutral and non-polar, with leucine, which is neutral and non-polar, at codon 345 of the MTFMT protein (p.Phe345Leu). In summary, the available evidence is currently insufficient to determine the role of this variant in disease. Therefore, it has been classified as a Variant of Uncertain Significance. Algorithms developed to predict the effect of missense changes on protein structure and function are either unavailable or do not agree on the potential impact of this missense change (SIFT: "Deleterious"; PolyPhen-2: "Probably Damaging"; Align-GVGD: "Class C0"). This variant has not been reported in the literature in individuals affected with MTFMT-related conditions. This variant is not present in population databases (gnomAD no frequency).